The following is an entry in ClinVar:

ClinVar aggregate classification (germline): Pathogenic (1 of 4 stars; one submission).

Conditions:
Cohen syndrome (COH1). Also called: PEPPER SYNDROME; Cutis verticis gyrata, retinitis pigmentosa, and sensorineural deafness. Identifiers: Orphanet 193, MedGen C0265223, MONDO:0008999, OMIM 216550.

Submission:

Labcorp Genetics (formerly Invitae), Labcorp
Classification: Pathogenic for Cohen syndrome. Last evaluated: 2021-08-19. Review status: criteria provided, single submitter. Criteria: Invitae Variant Classification Sherloc (09022015). Collection method: clinical testing. Allele origin: germline.
Comment: This variant is not present in population databases (ExAC no frequency). For these reasons, this variant has been classified as Pathogenic. This variant has not been reported in the literature in individuals affected with VPS13B-related conditions. This sequence change creates a premature translational stop signal (p.Trp1325*) in the VPS13B gene. It is expected to result in an absent or disrupted protein product. Loss-of-function variants in VPS13B are known to be pathogenic (PMID: 15141358, 16648375, 20461111).

Literature cited by the submitters: PubMed 15141358; PubMed 16648375; PubMed 20461111.

NM_152564.5(VPS13B):c.3974G>A (p.Trp1325Ter)

Gene: VPS13B (vacuolar protein sorting 13 homolog B; plus strand). Cytogenetic location: 8q22.2.
Variant type: single nucleotide variant.
Coding change: c.3974G>A on transcript NM_152564.5 (MANE Select); coding-DNA position 3974, G replaced by A.
Protein change: p.Trp1325Ter; replaces tryptophan 1325 with a stop codon.
Molecular consequence: nonsense.
Genome position (GRCh38, 1-based): chr8:99,501,790, G>A. VCF-style: chr8-99501790-G-A. GRCh37 (hg19) VCF-style: chr8-100514018-G-A.
Other names: c.3974G>A, p.Trp1325Ter (NM_017890.5); short protein forms W1325*.
Identifiers: ClinVar variation 1456772 (VCV001456772.6), dbSNP rs2133609831, ClinGen allele CA371869567.